The following is an entry in ClinVar:

NM_001367549.1(ATP13A3):c.2422-17A>G

Gene: ATP13A3 (ATPase 13A3; minus strand). Cytogenetic location: 3q29.
Variant type: single nucleotide variant.
Coding change: c.2422-17A>G on transcript NM_001367549.1 (MANE Select); 17 bases into the intron before coding-DNA position 2422, A replaced by G.
Molecular consequence: intron variant.
Genome position (GRCh38, 1-based): chr3:194,431,243, T>C on the plus strand (A>G on the coding strand, the complement: ATP13A3 is on the minus strand). VCF-style: chr3-194431243-T-C. GRCh37 (hg19) VCF-style: chr3-194151972-T-C.
Other names: c.2341-17A>G (NM_001374836.1); c.2422-17A>G (NM_001437993.1, NM_024524.4).
Identifiers: ClinVar variation 4695551 (VCV004695551.2).

ClinVar aggregate classification (germline): Conflicting classifications of pathogenicity. Review status: criteria provided, conflicting classifications (1 of 4 stars). 2 submissions from 2 submitters: Uncertain significance (1); Likely benign (1). Last evaluated 2025-10-04.

gnomAD v4.1: 104 of 1,576,154 alleles (0.0066%); highest among the groups gnomAD compares: African/African-American, 0.0081%; no homozygotes.

Submissions (2):

Labcorp Genetics (formerly Invitae), Labcorp
Classification: Uncertain significance. Last evaluated: 2025-10-04. Review status: criteria provided, single submitter. Criteria: Invitae Variant Classification Sherloc (09022015). Collection method: clinical testing. Allele origin: germline.
Comment: This sequence change falls in intron 21 of the ATP13A3 gene. It does not directly change the encoded amino acid sequence of the ATP13A3 protein. This variant is present in population databases (rs760505546, gnomAD 0.01%). This variant has not been reported in the literature in individuals affected with ATP13A3-related conditions. Algorithms developed to predict the effect of sequence changes on RNA splicing suggest that this variant may disrupt the consensus splice site. In summary, the available evidence is currently insufficient to determine the role of this variant in disease. Therefore, it has been classified as a Variant of Uncertain Significance.

Blueprint Genetics
Classification: Likely benign. Last evaluated: 2024-10-29. Review status: criteria provided, single submitter. Criteria: ACMG Guidelines, 2015. Collection method: clinical testing. Allele origin: germline.